The following is an entry in ClinVar:

ClinVar aggregate classification (germline): Likely benign. Review status: criteria provided, multiple submitters, no conflicts (2 of 4 stars). 2 submissions from 2 submitters: Likely benign (2). Last evaluated 2026-03-13.

Conditions:
MYH7B-related disorder. Also called: MYH7B-related condition.

Allele frequency attached by ClinVar (database versions not stated): gnomAD exomes 0.00003; gnomAD 0.00013; ExAC 0.00021; 1000 Genomes Project 30x 0.00094; 1000 Genomes Project 0.00100; TOPMed 0.00006.
gnomAD v4.1: 71 of 1,613,824 alleles (0.0044%); highest among the groups gnomAD compares: East Asian, 0.15%; no homozygotes.

Submissions (2):

PreventionGenetics, part of Exact Sciences
Classification: Likely benign for MYH7B-related condition. Last evaluated: 2026-03-13. Review status: criteria provided, single submitter. Criteria: ACMG Guidelines, 2015. Collection method: clinical testing. Allele origin: germline.
Comment: This variant is classified as likely benign based on ACMG/AMP sequence variant interpretation guidelines (Richards et al. 2015 PMID: 25741868, with internal and published modifications).

Labcorp Genetics (formerly Invitae), Labcorp
Classification: Likely benign. Last evaluated: 2024-01-02. Review status: criteria provided, single submitter. Criteria: Invitae Variant Classification Sherloc (09022015). Collection method: clinical testing. Allele origin: germline.

NM_020884.7(MYH7B):c.118G>A (p.Glu40Lys)

Gene: MYH7B (myosin heavy chain 7B; plus strand). Cytogenetic location: 20q11.22.
Variant type: single nucleotide variant.
Coding change: c.118G>A on transcript NM_020884.7 (MANE Select); coding-DNA position 118, G replaced by A.
Protein change: p.Glu40Lys; replaces glutamic acid 40 with lysine.
Molecular consequence: missense variant.
Genome position (GRCh38, 1-based): chr20:34,979,416, G>A. VCF-style: chr20-34979416-G-A. GRCh37 (hg19) VCF-style: chr20-33567219-G-A.
Other names: c.244G>A (NM_020884.4); short protein forms E40K.
Identifiers: ClinVar variation 2414254 (VCV002414254.7), dbSNP rs200654846, ClinGen allele CA9826313.
Genomic context (GRCh38, chr20:34,979,416, plus strand): 5'-CCTCTCTGAGTCCAGAGCTCTCTCTGCAACCCAGGGAAGAAGCGAGTCTGGGTGCCTGAT[G>A]AACAGGACGCCTACGTGGAGGCCGAGGTCAAGTCGGAGGCTACCGGGGGCAGAGTCACCG-3'
Protein context (NP_065935.4, residues 30-50): DGKKRVWVPD[Glu40Lys]QDAYVEAEVK